The following is an entry in ClinVar:

NM_152296.5(ATP1A3):c.2274C>G (p.Ile758Met)

Gene: ATP1A3 (ATPase Na+/K+ transporting subunit alpha 3; minus strand). Cytogenetic location: 19q13.2.
Variant type: single nucleotide variant.
Coding change: c.2274C>G on transcript NM_152296.5 (MANE Select); coding-DNA position 2274, C replaced by G.
Protein change: p.Ile758Met; replaces isoleucine 758 with methionine.
Molecular consequence: missense variant.
Genome position (GRCh38, 1-based): chr19:41,970,532, G>C on the plus strand (C>G on the coding strand, the complement: ATP1A3 is on the minus strand). VCF-style: chr19-41970532-G-C. GRCh37 (hg19) VCF-style: chr19-42474684-G-C.
Other names: c.2307C>G, p.Ile769Met (NM_001256213.2); c.2313C>G, p.Ile771Met (NM_001256214.2); short protein forms I758M, I769M, I771M.
Identifiers: ClinVar variation 3367626 (VCV003367626.1).

ClinVar aggregate classification (germline): Uncertain significance (1 of 4 stars; one submission).

Submission:

GeneDx
Classification: Uncertain significance. Last evaluated: 2024-01-07. Review status: criteria provided, single submitter. Criteria: GeneDx Variant Classification Process June 2021. Collection method: clinical testing. Allele origin: germline. Affected: yes.
Comment: Not observed at significant frequency in large population cohorts (gnomAD); In silico analysis supports that this missense variant does not alter protein structure/function; Has not been previously published as pathogenic or benign to our knowledge